The following is an entry in ClinVar:

ClinVar aggregate classification (germline): Uncertain significance (1 of 4 stars; one submission).

Allele frequency attached by ClinVar (database versions not stated): TOPMed below 0.00001; gnomAD exomes 0.00001 and 0.00003; ExAC 0.00002.
gnomAD v4.1: 20 of 1,613,930 alleles (0.0012%); highest among the groups gnomAD compares: Non-Finnish European, 0.0015%; no homozygotes.

Submission:

Labcorp Genetics (formerly Invitae), Labcorp
Classification: Uncertain significance. Last evaluated: 2021-11-22. Review status: criteria provided, single submitter. Criteria: Invitae Variant Classification Sherloc (09022015). Collection method: clinical testing. Allele origin: germline.
Comment: This sequence change replaces glutamic acid, which is acidic and polar, with glycine, which is neutral and non-polar, at codon 1782 of the PCLO protein (p.Glu1782Gly). This variant is present in population databases (rs745738959, gnomAD 0.005%). This variant has not been reported in the literature in individuals affected with PCLO-related conditions. Algorithms developed to predict the effect of missense changes on protein structure and function are either unavailable or do not agree on the potential impact of this missense change (SIFT: "Deleterious"; PolyPhen-2: "Not Available"; Align-GVGD: "Class C0"). In summary, the available evidence is currently insufficient to determine the role of this variant in disease. Therefore, it has been classified as a Variant of Uncertain Significance.

NM_033026.6(PCLO):c.5345A>G (p.Glu1782Gly)

Gene: PCLO (piccolo presynaptic cytomatrix protein; minus strand). Cytogenetic location: 7q21.11.
Variant type: single nucleotide variant.
Coding change: c.5345A>G on transcript NM_033026.6 (MANE Select); coding-DNA position 5345, A replaced by G.
Protein change: p.Glu1782Gly; replaces glutamic acid 1782 with glycine.
Molecular consequence: missense variant.
Genome position (GRCh38, 1-based): chr7:82,955,608, T>C on the plus strand (A>G on the coding strand, the complement: PCLO is on the minus strand). VCF-style: chr7-82955608-T-C. GRCh37 (hg19) VCF-style: chr7-82584924-T-C.
Other names: c.5345A>G, p.Glu1782Gly (NM_014510.3); short protein forms E1782G.
Identifiers: ClinVar variation 1491914 (VCV001491914.3), dbSNP rs745738959, ClinGen allele CA4320669.